The following is an entry in ClinVar:

ClinVar aggregate classification (germline): Uncertain significance (1 of 4 stars; one submission).

Conditions:
Glycogen storage disease, type V (GSD5). Also called: MCARDLE DISEASE; MUSCLE GLYCOGEN PHOSPHORYLASE DEFICIENCY; MYOPHOSPHORYLASE DEFICIENCY; PYGM DEFICIENCY; McArdle type glycogen storage disease. Identifiers: Orphanet 368, MedGen C0017924, MONDO:0009293, OMIM 232600.

Submission:

Labcorp Genetics (formerly Invitae), Labcorp
Classification: Uncertain significance for Glycogen storage disease, type V. Last evaluated: 2024-06-12. Review status: criteria provided, single submitter. Criteria: Invitae Variant Classification Sherloc (09022015). Collection method: clinical testing. Allele origin: germline.
Comment: This sequence change replaces tyrosine, which is neutral and polar, with cysteine, which is neutral and slightly polar, at codon 574 of the PYGM protein (p.Tyr574Cys). This variant is present in population databases (no rsID available, gnomAD 0.003%). This variant has not been reported in the literature in individuals affected with PYGM-related conditions. Advanced modeling of protein sequence and biophysical properties (such as structural, functional, and spatial information, amino acid conservation, physicochemical variation, residue mobility, and thermodynamic stability) performed at Invitae indicates that this missense variant is expected to disrupt PYGM protein function with a positive predictive value of 95%. In summary, the available evidence is currently insufficient to determine the role of this variant in disease. Therefore, it has been classified as a Variant of Uncertain Significance.

NM_005609.4(PYGM):c.1721A>G (p.Tyr574Cys)

Gene: PYGM (glycogen phosphorylase, muscle associated; minus strand). Cytogenetic location: 11q13.1.
Variant type: single nucleotide variant.
Coding change: c.1721A>G on transcript NM_005609.4 (MANE Select); coding-DNA position 1721, A replaced by G.
Protein change: p.Tyr574Cys; replaces tyrosine 574 with cysteine.
Molecular consequence: missense variant.
Genome position (GRCh38, 1-based): chr11:64,751,971, T>C on the plus strand (A>G on the coding strand, the complement: PYGM is on the minus strand). VCF-style: chr11-64751971-T-C. GRCh37 (hg19) VCF-style: chr11-64519443-T-C.
Other names: c.1457A>G, p.Tyr486Cys (NM_001164716.1); short protein forms Y486C, Y574C.
Identifiers: ClinVar variation 3638506 (VCV003638506.2).
Genomic context (GRCh38, chr11:64,751,971, plus strand): 5'-GGCTGCCACTCACGGTTGTACAGGGTGATGACATGGAGGCAGTTGAGGAGCTGTCGTTTA[T>C]ATTCGTGAATCCGCTTCACCTGGATGTCGAAGAGTGAGTTGGGGTTGATGTGGACTTTGT-3'
Protein context (NP_005600.1, residues 564-584): FDIQVKRIHE[Tyr574Cys]KRQLLNCLHV